The following is an entry in ClinVar:

ClinVar aggregate classification (germline): Uncertain significance (1 of 4 stars; one submission).

Submission:

GeneDx
Classification: Uncertain significance. Last evaluated: 2026-01-20. Review status: criteria provided, single submitter. Criteria: GeneDx Variant Classification Process June 2021. Collection method: clinical testing. Allele origin: germline.
Comment: Not observed at significant frequency in large population cohorts (gnomAD); In silico analysis supports that this missense variant has a deleterious effect on protein structure/function; Has not been previously published as pathogenic or benign to our knowledge; Not located in one of the three hot-spot regions of the RYR2 gene, where the majority of pathogenic missense variants occur (PMID: 19926015); This variant is associated with the following publications: (PMID: 19926015)

NM_001035.3(RYR2):c.9172A>G (p.Arg3058Gly)

Gene: RYR2 (ryanodine receptor 2; plus strand). Cytogenetic location: 1q43.
Variant type: single nucleotide variant.
Coding change: c.9172A>G on transcript NM_001035.3 (MANE Select); coding-DNA position 9172, A replaced by G.
Protein change: p.Arg3058Gly; replaces arginine 3058 with glycine.
Molecular consequence: missense variant.
Genome position (GRCh38, 1-based): chr1:237,700,272, A>G. VCF-style: chr1-237700272-A-G. GRCh37 (hg19) VCF-style: chr1-237863572-A-G.
Other names: short protein forms R3058G.
Identifiers: ClinVar variation 4887922 (VCV004887922.1).